The following is an entry in ClinVar:

NM_005359.6(SMAD4):c.1019dup (p.Val341fs)

Gene: SMAD4 (SMAD family member 4; plus strand). Cytogenetic location: 18q21.2.
Variant type: Duplication.
Coding change: c.1019dup on transcript NM_005359.6 (MANE Select); coding-DNA position 1019, one base duplicated (A; older notation c.1019dupA).
Protein change: p.Val341fs; shifts the reading frame from valine 341.
Molecular consequence: frameshift variant.
Genome position (GRCh38, 1-based): chr18:51,065,486, A duplicated; the last of 2 consecutive A bases (chr18:51,065,485-51,065,486); duplicating either gives the same sequence. VCF-style (leftmost placement, unchanged base first): chr18-51065484-T-TA. GRCh37 (hg19) VCF-style: chr18-48591854-T-TA.
Other names: c.1019dup, p.Val341Glyfs (NM_001407041.1, NM_001407042.1, NM_001407043.1); c.1019dupA (NM_005359.5); short protein forms V341fs.
Identifiers: ClinVar variation 1753181 (VCV001753181.2), dbSNP rs2511382851, ClinGen allele CA2580095862.

ClinVar aggregate classification (germline): Pathogenic (1 of 4 stars; one submission).

Conditions:
Familial thoracic aortic aneurysm and aortic dissection (TAAD). Also called: Thoracic aortic aneurysms and dissections. Identifiers: Orphanet 91387, MedGen C4707243, MONDO:0019625.
Hereditary cancer-predisposing syndrome. Also called: Neoplastic Syndromes, Hereditary; Tumor predisposition; Hereditary Cancer Syndrome; Hereditary neoplastic syndrome. Identifiers: Orphanet 140162, MedGen C0027672, MeSH D009386, MONDO:0015356.

Submission:

Ambry Genetics
Classification: Pathogenic for Hereditary cancer-predisposing syndrome; Familial thoracic aortic aneurysm and aortic dissection. Last evaluated: 2020-03-17. Review status: criteria provided, single submitter. Criteria: Ambry Variant Classification Scheme 2023. Collection method: clinical testing. Allele origin: germline.
Comment: The c.1019dupA pathogenic mutation, located in coding exon 8 of the SMAD4 gene, results from a duplication of A at nucleotide position 1019, causing a translational frameshift with a predicted alternate stop codon (p.V341Gfs*11). This alteration is expected to result in loss of function by premature protein truncation or nonsense-mediated mRNA decay. As such, this alteration is interpreted as a disease-causing mutation.